The following is an entry in ClinVar:

ClinVar aggregate classification (germline): Uncertain significance. Review status: criteria provided, multiple submitters, no conflicts (2 of 4 stars). 7 submissions from 7 submitters: Uncertain significance (4). 3 of the submissions do not count toward it. Last evaluated 2025-08-25.

Conditions:
FREM1-related disorder. Also called: FREM1-Related Disorders; FREM1-related condition.
Inborn genetic diseases. Identifiers: MedGen C0950123, MeSH D030342.
BNAR syndrome. Also called: Bifid Nose With or Without Anorectal and Renal Anomalies (BNAR) Syndrome. Identifiers: Orphanet 217266, MedGen C2750433, MONDO:0012165, OMIM 608980.
Oculotrichoanal syndrome (MOTA). Also called: MARLES SYNDROME; Manitoba Oculotrichoanal (MOTA) Syndrome. Identifiers: Orphanet 2717, MedGen C1855425, MONDO:0009560, OMIM 248450.
Trigonocephaly 2 (TRIGNO2). Identifiers: Orphanet 3366, MedGen C3280974, MONDO:0013774, OMIM 614485.

Allele frequency attached by ClinVar (database versions not stated): gnomAD 0.00033 and 0.00038; ExAC 0.00004; 1000 Genomes Project 0.00020; TOPMed 0.00080; 1000 Genomes Project 30x 0.00016.
gnomAD v4.1: 84 of 1,562,082 alleles (0.0054%); highest among the groups gnomAD compares: Admixed American, 0.11%; 1 homozygote.

Submissions (7):

Ambry Genetics
Classification: Uncertain significance for Inborn genetic diseases. Last evaluated: 2025-08-25. Review status: criteria provided, single submitter. Criteria: Ambry Variant Classification Scheme 2023. Collection method: clinical testing. Allele origin: germline.

Fulgent Genetics
Classification: Uncertain significance for Oculotrichoanal syndrome; BNAR syndrome; Trigonocephaly 2. Last evaluated: 2024-06-11. Review status: criteria provided, single submitter. Criteria: ACMG Guidelines, 2015. Collection method: clinical testing. Allele origin: germline.

Mendelics
Classification: Uncertain significance. Last evaluated: 2022-05-04. Review status: criteria provided, single submitter. Criteria: Mendelics Assertion Criteria 2019. Collection method: clinical testing. Allele origin: germline.

Labcorp Genetics (formerly Invitae), Labcorp
Classification: Uncertain significance. Last evaluated: 2021-12-28. Review status: criteria provided, single submitter. Criteria: Invitae Variant Classification Sherloc (09022015). Collection method: clinical testing. Allele origin: germline.
Comment: This sequence change replaces glutamic acid, which is acidic and polar, with valine, which is neutral and non-polar, at codon 1500 of the FREM1 protein (p.Glu1500Val). This variant is present in population databases (rs281875280, gnomAD 0.02%). This missense change has been observed in individual(s) with metopic craniosynostosis (PMID: 21931569). ClinVar contains an entry for this variant (Variation ID: 30766). Algorithms developed to predict the effect of missense changes on protein structure and function are either unavailable or do not agree on the potential impact of this missense change (SIFT: "Deleterious"; PolyPhen-2: "Possibly Damaging"; Align-GVGD: "Class C0"). Algorithms developed to predict the effect of sequence changes on RNA splicing suggest that this variant may create or strengthen a splice site. In summary, the available evidence is currently insufficient to determine the role of this variant in disease. Therefore, it has been classified as a Variant of Uncertain Significance.

PreventionGenetics, part of Exact Sciences
Classification: Uncertain significance for FREM1-related condition. Last evaluated: 2024-03-30. Review status: no assertion criteria provided. Collection method: clinical testing. Allele origin: germline. Not counted in ClinVar's aggregate classification.
Comment: The FREM1 c.4499A>T variant is predicted to result in the amino acid substitution p.Glu1500Val. This variant was reported in two unrelated individuals with craniosynostosis and was reported as de novo variant in one of the two individuals (Vissers et al 2011. PubMed ID: 21931569). This variant is reported in 0.020% of alleles in individuals of Latino descent in gnomAD. At this time, the clinical significance of this variant is uncertain due to the absence of conclusive functional and genetic evidence.

OMIM
Classification: Pathogenic for TRIGONOCEPHALY 2. Last evaluated: 2011-09-01. Review status: no assertion criteria provided. Collection method: literature only. Allele origin: germline. Not counted in ClinVar's aggregate classification.

UniProtKB/Swiss-Prot
No classification provided. Review status: no classification provided. Collection method: not provided. Allele origin: not provided. Not counted in ClinVar's aggregate classification.

Literature cited by the submitters: PubMed 21931569 (cited by Labcorp Genetics (formerly Invitae), Labcorp and OMIM); Hamosh, A. Personal Communication. 2025. Baltimore, Md. (cited by OMIM).

NM_001379081.2(FREM1):c.4499A>T (p.Glu1500Val)

Gene: FREM1 (FRAS1 related extracellular matrix 1; minus strand). Cytogenetic location: 9p22.3.
Variant type: single nucleotide variant.
Coding change: c.4499A>T on transcript NM_001379081.2 (MANE Select); coding-DNA position 4499, A replaced by T.
Protein change: p.Glu1500Val; replaces glutamic acid 1500 with valine.
Molecular consequence: missense variant. On other transcripts: non-coding transcript variant (2).
Genome position (GRCh38, 1-based): chr9:14,776,147, T>A on the plus strand (A>T on the coding strand, the complement: FREM1 is on the minus strand). VCF-style: chr9-14776147-T-A. GRCh37 (hg19) VCF-style: chr9-14776145-T-A.
Other names: c.107A>T, p.Glu36Val (NM_001177704.3, NM_001370058.2, NM_001370061.2); c.4499A>T, p.Glu1500Val (NM_144966.7); short protein forms E1500V, E36V.
Identifiers: ClinVar variation 30766 (VCV000030766.9), dbSNP rs281875280, ClinGen allele CA129450.